The following is an entry in ClinVar:

ClinVar aggregate classification (germline): Benign/Likely benign. Review status: criteria provided, multiple submitters, no conflicts (2 of 4 stars). 6 submissions from 6 submitters: Benign (2); Likely benign (3). 1 of the submissions does not count toward it. Last evaluated 2026-01-29.

Conditions:
Combined oxidative phosphorylation deficiency 44. Also called: FASTKD2-Related Combined Oxidative Phosphorylation Deficiency. Identifiers: MedGen C5394293, MONDO:0030020, OMIM 618855.
FASTKD2-related disorder. Also called: FASTKD2-related condition.

Allele frequency attached by ClinVar (database versions not stated): gnomAD exomes 0.00015 and 0.00071; ESP Exome Variant Server 0.00023; gnomAD 0.00029 and 0.00039; TOPMed 0.00031; ExAC 0.00062; 1000 Genomes Project 30x 0.00234; 1000 Genomes Project 0.00280.
gnomAD v4.1: 322 of 1,599,984 alleles (0.02%); highest among the groups gnomAD compares: East Asian, 0.48%; 3 homozygotes.

Submissions (6):

Labcorp Genetics (formerly Invitae), Labcorp
Classification: Benign. Last evaluated: 2026-01-29. Review status: criteria provided, single submitter. Criteria: Invitae Variant Classification Sherloc (09022015). Collection method: clinical testing. Allele origin: germline.

CeGaT Center for Human Genetics Tuebingen
Classification: Likely benign. Last evaluated: 2025-02-01. Review status: criteria provided, single submitter. Criteria: CeGaT Center For Human Genetics Tuebingen Variant Classification Criteria Version 2. Collection method: clinical testing. Allele origin: germline. Affected: yes. Observed: 1 variant allele.
Comment: FASTKD2: BP4, BP7

Blueprint Genetics
Classification: Likely benign. Last evaluated: 2024-10-11. Review status: criteria provided, single submitter. Criteria: ACMG Guidelines, 2015. Collection method: clinical testing. Allele origin: germline.

Fulgent Genetics
Classification: Likely benign for Combined oxidative phosphorylation deficiency 44. Last evaluated: 2021-09-21. Review status: criteria provided, single submitter. Criteria: ACMG Guidelines, 2015. Collection method: clinical testing. Allele origin: unknown.

GeneDx
Classification: Benign. Last evaluated: 2016-11-17. Review status: criteria provided, single submitter. Criteria: GeneDx Variant Classification (06012015). Collection method: clinical testing. Allele origin: germline. Affected: yes.
Comment: This variant is considered likely benign or benign based on one or more of the following criteria: it is a conservative change, it occurs at a poorly conserved position in the protein, it is predicted to be benign by multiple in silico algorithms, and/or has population frequency not consistent with disease.

PreventionGenetics, part of Exact Sciences
Classification: Benign for FASTKD2-related condition. Last evaluated: 2019-10-01. Review status: no assertion criteria provided. Collection method: clinical testing. Allele origin: germline. Not counted in ClinVar's aggregate classification.
Comment: This variant is classified as benign based on ACMG/AMP sequence variant interpretation guidelines (Richards et al. 2015 PMID: 25741868, with internal and published modifications).

NM_001136193.2(FASTKD2):c.192T>C (p.Phe64=)

Gene: FASTKD2 (FASTK mitochondrial RNA regulator 2; plus strand). Cytogenetic location: 2q33.3.
Variant type: single nucleotide variant.
Coding change: c.192T>C on transcript NM_001136193.2 (MANE Select); coding-DNA position 192, T replaced by C.
Protein change: p.Phe64=; no amino-acid change (phenylalanine 64 retained).
Molecular consequence: synonymous variant.
Genome position (GRCh38, 1-based): chr2:206,766,885, T>C. VCF-style: chr2-206766885-T-C. GRCh37 (hg19) VCF-style: chr2-207631609-T-C.
Other names: c.192T>C, p.Phe64= (NM_001136194.2, NM_014929.4).
Identifiers: ClinVar variation 380292 (VCV000380292.28), dbSNP rs150457139, ClinGen allele CA2074839.